The following is an entry in ClinVar:

NM_004082.5(DCTN1):c.434C>T (p.Thr145Ile)

Gene: DCTN1 (dynactin subunit 1; minus strand). Cytogenetic location: 2p13.1.
Variant type: single nucleotide variant.
Coding change: c.434C>T on transcript NM_004082.5 (MANE Select); coding-DNA position 434, C replaced by T.
Protein change: p.Thr145Ile; replaces threonine 145 with isoleucine.
Molecular consequence: missense variant. On other transcripts: intron variant (2).
Genome position (GRCh38, 1-based): chr2:74,372,947, G>A on the plus strand (C>T on the coding strand, the complement: DCTN1 is on the minus strand). VCF-style: chr2-74372947-G-A. GRCh37 (hg19) VCF-style: chr2-74600074-G-A.
Other names: c.32C>T, p.Thr11Ile (NM_001135041.3, NM_023019.4); c.413C>T, p.Thr138Ile (NM_001190837.2); c.383C>T, p.Thr128Ile (NM_001378991.1); c.365C>T, p.Thr122Ile (NM_001378992.1); c.343-1219C>T (NM_001190836.2); c.394-1219C>T (NM_001135040.3); short protein forms T138I, T11I, T122I, T128I, T145I.
Identifiers: ClinVar variation 4795006 (VCV004795006.1).

ClinVar aggregate classification (germline): Uncertain significance (1 of 4 stars; one submission).

Conditions:
Amyotrophic lateral sclerosis type 1 (ALS1). Also called: AMYOTROPHIC LATERAL SCLEROSIS 1, FAMILIAL. Identifiers: Orphanet 803, MedGen C1862939, MONDO:0007103, OMIM 105400.
Neuronopathy, distal hereditary motor, type 7B. Also called: NEURONOPATHY, DISTAL HEREDITARY MOTOR, AUTOSOMAL DOMINANT 14; NEURONOPATHY, DISTAL HEREDITARY MOTOR, HARDING TYPE VIIB; NEUROPATHY, DISTAL HEREDITARY MOTOR, HARDING TYPE VIIB; NEUROPATHY, DISTAL HEREDITARY MOTOR, WITH VOCAL CORD PARALYSIS, HARDING TYPE VIIB; HMN VIIB; LOWER MOTOR NEURON DISEASE, DYNACTIN TYPE. Identifiers: Orphanet 139589, MedGen C1843315, MONDO:0011879, OMIM 607641.
Perry syndrome. Also called: PARKINSONISM WITH ALVEOLAR HYPOVENTILATION AND MENTAL DEPRESSION. Identifiers: Orphanet 178509, MedGen C1868594, MONDO:0008201, OMIM 168605.

gnomAD v4.1: 8 of 1,614,056 alleles (0.0005%); highest among the groups gnomAD compares: Non-Finnish European, 0.00059%; no homozygotes.

Submission:

Labcorp Genetics (formerly Invitae), Labcorp
Classification: Uncertain significance for Amyotrophic lateral sclerosis type 1; Neuronopathy, distal hereditary motor, type 7B; Perry syndrome. Last evaluated: 2025-09-30. Review status: criteria provided, single submitter. Criteria: Invitae Variant Classification Sherloc (09022015). Collection method: clinical testing. Allele origin: germline.
Comment: This sequence change replaces threonine, which is neutral and polar, with isoleucine, which is neutral and non-polar, at codon 145 of the DCTN1 protein (p.Thr145Ile). This variant is present in population databases (no rsID available, gnomAD 0.0009%). This variant has not been reported in the literature in individuals affected with DCTN1-related conditions. Invitae Evidence Modeling of protein sequence and biophysical properties (such as structural, functional, and spatial information, amino acid conservation, physicochemical variation, residue mobility, and thermodynamic stability) indicates that this missense variant is not expected to disrupt DCTN1 protein function with a negative predictive value of 95%. In summary, the available evidence is currently insufficient to determine the role of this variant in disease. Therefore, it has been classified as a Variant of Uncertain Significance.